The following is an entry in ClinVar:

ClinVar aggregate classification (germline): Uncertain significance (1 of 4 stars; one submission).

Conditions:
Congenital contractural arachnodactyly (CCA). Also called: Arthrogryposis, distal, type 9; BEALS SYNDROME; Beals-Hecht syndrome. Identifiers: Orphanet 115, MedGen C0220668, MONDO:0007363, OMIM 121050.

gnomAD v4.1: 2 of 1,613,860 alleles (0.00012%); highest among the groups gnomAD compares: South Asian, 0.0011%; no homozygotes.

Submission:

Labcorp Genetics (formerly Invitae), Labcorp
Classification: Uncertain significance for Congenital contractural arachnodactyly. Last evaluated: 2025-09-10. Review status: criteria provided, single submitter. Criteria: Invitae Variant Classification Sherloc (09022015). Collection method: clinical testing. Allele origin: germline.
Comment: This sequence change replaces proline, which is neutral and non-polar, with leucine, which is neutral and non-polar, at codon 1622 of the FBN2 protein (p.Pro1622Leu). This variant is present in population databases (rs771138785, gnomAD 0.003%). This variant has not been reported in the literature in individuals affected with FBN2-related conditions. Invitae Evidence Modeling of protein sequence and biophysical properties (such as structural, functional, and spatial information, amino acid conservation, physicochemical variation, residue mobility, and thermodynamic stability) has been performed for this missense variant. However, the output from this modeling did not meet the statistical confidence thresholds required to predict the impact of this variant on FBN2 protein function. In summary, the available evidence is currently insufficient to determine the role of this variant in disease. Therefore, it has been classified as a Variant of Uncertain Significance.

NM_001999.4(FBN2):c.4865C>T (p.Pro1622Leu)

Gene: FBN2 (fibrillin 2; minus strand). Cytogenetic location: 5q23.3.
Variant type: single nucleotide variant.
Coding change: c.4865C>T on transcript NM_001999.4 (MANE Select); coding-DNA position 4865, C replaced by T.
Protein change: p.Pro1622Leu; replaces proline 1622 with leucine.
Molecular consequence: missense variant.
Genome position (GRCh38, 1-based): chr5:128,312,648, G>A on the plus strand (C>T on the coding strand, the complement: FBN2 is on the minus strand). VCF-style: chr5-128312648-G-A. GRCh37 (hg19) VCF-style: chr5-127648340-G-A.
Other names: short protein forms P1622L.
Identifiers: ClinVar variation 4708921 (VCV004708921.1).